The following is an entry in ClinVar:

ClinVar aggregate classification (germline): Likely benign. Review status: criteria provided, multiple submitters, no conflicts (2 of 4 stars). 2 submissions from 2 submitters: Likely benign (2). Last evaluated 2026-01-18.

Allele frequency attached by ClinVar (database versions not stated): gnomAD 0.00008; ESP Exome Variant Server 0.00021; gnomAD exomes 0.00005; ExAC 0.00007; 1000 Genomes Project 0.00053; 1000 Genomes Project 30x 0.00062; TOPMed 0.00008.
gnomAD v4.1: 61 of 1,176,710 alleles (0.0052%); highest among the groups gnomAD compares: Non-Finnish European, 0.0063%; no homozygotes.

Submissions (2):

Labcorp Genetics (formerly Invitae), Labcorp
Classification: Likely benign. Last evaluated: 2026-01-18. Review status: criteria provided, single submitter. Criteria: Invitae Variant Classification Sherloc (09022015). Collection method: clinical testing. Allele origin: germline.

Women's Health and Genetics/Laboratory Corporation of America, LabCorp
Classification: Likely benign. Last evaluated: 2024-05-23. Review status: criteria provided, single submitter. Criteria: LabCorp Variant Classification Summary - May 2015. Collection method: clinical testing. Allele origin: germline.
Comment: Variant summary: AVPR2 c.26-13G>A alters a non-conserved nucleotide located at a position not widely known to affect splicing. Consensus agreement among computation tools predict no significant impact on normal splicing. However, these predictions have yet to be confirmed by functional studies. The variant allele was found at a frequency of 4.8e-05 in 125815 control chromosomes (gnomAD). The available data on variant occurrences in the general population are insufficient to allow any conclusion about variant significance. To our knowledge, no occurrence of c.26-13G>A in individuals affected with Nephrogenic Diabetes Insipidus and no experimental evidence demonstrating its impact on protein function have been reported. ClinVar contains an entry for this variant (Variation ID: 2964993). Based on the evidence outlined above, the variant was classified as likely benign.

NM_000054.7(AVPR2):c.26-13G>A

Gene: AVPR2 (arginine vasopressin receptor 2; plus strand). Cytogenetic location: Xq28.
Variant type: single nucleotide variant.
Coding change: c.26-13G>A on transcript NM_000054.7 (MANE Select); 13 bases into the intron before coding-DNA position 26, G replaced by A.
Molecular consequence: intron variant.
Genome position (GRCh38, 1-based): chrX:153,905,519, G>A. VCF-style: chrX-153905519-G-A. GRCh37 (hg19) VCF-style: chrX-153170973-G-A.
Other names: c.26-13G>A (NM_001146151.3).
Identifiers: ClinVar variation 2964993 (VCV002964993.4), dbSNP rs375318450, ClinGen allele CA10554934.